The following is an entry in ClinVar:

ClinVar aggregate classification (germline): Conflicting classifications of pathogenicity. Review status: criteria provided, conflicting classifications (1 of 4 stars). 3 submissions from 3 submitters: Pathogenic (1); Likely pathogenic (1); Uncertain significance (1). Last evaluated 2026-08-10.

Conditions:
Inborn genetic diseases. Identifiers: MedGen C0950123, MeSH D030342.

Allele frequency attached by ClinVar (database versions not stated): gnomAD 0.00002.

Submissions (4):

GeneDx
Classification: Likely pathogenic. Last evaluated: 2026-08-10. Review status: criteria provided, single submitter. Criteria: GeneDx Variant Classification Process June 2021. Collection method: clinical testing. Allele origin: germline.
Comment: Nonsense variant predicted to result in protein truncation or nonsense mediated decay in a gene for which loss of function is a known mechanism of disease; Has not been previously published as pathogenic or benign to our knowledge

Blueprint Genetics
Classification: Uncertain significance. Last evaluated: 2023-12-29. Review status: criteria provided, single submitter. Criteria: ACMG Guidelines, 2015. Collection method: clinical testing. Allele origin: germline.

Ambry Genetics
Classification: Pathogenic for Inborn genetic diseases. Last evaluated: 2022-06-21. Review status: criteria provided, single submitter. Criteria: Ambry Variant Classification Scheme 2023. Collection method: clinical testing. Allele origin: germline.
Comment: The c.655C>T (p.R219*) alteration, located in exon 5 (coding exon 5) of the ATAD3A gene, consists of a C to T substitution at nucleotide position 655. This changes the amino acid from an arginine (R) to a stop codon at amino acid position 219. This alteration is expected to result in loss of function by premature protein truncation or nonsense-mediated mRNA decay._x000D_ _x000D_ Based on the available evidence, the ATAD3A c.655C>T (p.R219*) alteration is classified as pathogenic for autosomal recessive ATAD3A-related mitochondrial disorder; however, its clinical significance for autosomal dominant ATAD3A-related mitochondrial disorder is unclear. Based on the available evidence, this alteration is classified as pathogenic.

Dr. Peter K. Rogan Lab, Western University
No classification provided (evidence only). Condition: Gastric cancer. Review status: no classification provided. Collection method: in vitro. Allele origin: not applicable. Functional consequence: retained intron. Not counted in ClinVar's aggregate classification.

NM_001170535.3(ATAD3A):c.511C>T (p.Arg171Ter)

Gene: ATAD3A (ATPase family AAA domain containing 3A; plus strand). Cytogenetic location: 1p36.33.
Variant type: single nucleotide variant.
Coding change: c.511C>T on transcript NM_001170535.3 (MANE Select); coding-DNA position 511, C replaced by T.
Protein change: p.Arg171Ter; replaces arginine 171 with a stop codon.
Molecular consequence: nonsense.
Genome position (GRCh38, 1-based): chr1:1,518,987, C>T. VCF-style: chr1-1518987-C-T. GRCh37 (hg19) VCF-style: chr1-1454367-C-T.
Other names: NC_000001.10:g.1454367C>T; c.274C>T, p.Arg92Ter (NM_001170536.3); c.655C>T, p.Arg219Ter (NM_018188.5); short protein forms R92*, R219*, R171*.
Identifiers: ClinVar variation 2213594 (VCV002213594.6), dbSNP rs1308954605, ClinGen allele CA337852981.